The following is an entry in ClinVar:

NM_021067.5(GINS1):c.277G>A (p.Glu93Lys)

Gene: GINS1 (GINS complex subunit 1; plus strand). Cytogenetic location: 20p11.21.
Variant type: single nucleotide variant.
Coding change: c.277G>A on transcript NM_021067.5 (MANE Select); coding-DNA position 277, G replaced by A.
Protein change: p.Glu93Lys; replaces glutamic acid 93 with lysine.
Molecular consequence: missense variant. On other transcripts: non-coding transcript variant (1), intron variant (1).
Genome position (GRCh38, 1-based): chr20:25,418,142, G>A. VCF-style: chr20-25418142-G-A. GRCh37 (hg19) VCF-style: chr20-25398778-G-A.
Other names: c.277G>A, p.Glu93Lys (NM_001410830.1); c.76-7069G>A (NM_001410831.1); short protein forms E93K.
Identifiers: ClinVar variation 2706919 (VCV002706919.3), dbSNP rs774120725, ClinGen allele CA9796498.
Genomic context (GRCh38, chr20:25,418,142, plus strand): 5'-CCAATACCTTCTTGATGTCCTAGGTATGACCGCTTGCTTCGGATCAGAGCACTCAGATGG[G>A]AATATGGTAGCGTCTTGCCAAATGCATTACGATTTCACATGGCTGCTGAAGAAGTGAGTT-3'
Protein context (NP_066545.3, residues 83-103): RLLRIRALRW[Glu93Lys]YGSVLPNALR

ClinVar aggregate classification (germline): Uncertain significance (1 of 4 stars; one submission).

gnomAD v4.1: 5 of 1,605,908 alleles (0.00031%); highest among the groups gnomAD compares: Non-Finnish European, 0.00043%; no homozygotes.

Submission:

Labcorp Genetics (formerly Invitae), Labcorp
Classification: Uncertain significance. Last evaluated: 2024-01-01. Review status: criteria provided, single submitter. Criteria: Invitae Variant Classification Sherloc (09022015). Collection method: clinical testing. Allele origin: germline.
Comment: This sequence change replaces glutamic acid, which is acidic and polar, with lysine, which is basic and polar, at codon 93 of the GINS1 protein (p.Glu93Lys). This variant is present in population databases (rs774120725, gnomAD 0.0009%). This variant has not been reported in the literature in individuals affected with GINS1-related conditions. An algorithm developed to predict the effect of missense changes on protein structure and function (PolyPhen-2) suggests that this variant is likely to be tolerated. In summary, the available evidence is currently insufficient to determine the role of this variant in disease. Therefore, it has been classified as a Variant of Uncertain Significance.